The following is an entry in ClinVar:

ClinVar aggregate classification (germline): Uncertain significance (1 of 4 stars; one submission).

Submission:

GeneDx
Classification: Uncertain significance. Last evaluated: 2024-10-07. Review status: criteria provided, single submitter. Criteria: GeneDx Variant Classification Process June 2021. Collection method: clinical testing. Allele origin: germline. Affected: yes.
Comment: Not observed at significant frequency in large population cohorts (gnomAD); In silico analysis supports that this missense variant has a deleterious effect on protein structure/function; Has not been previously published as pathogenic or benign to our knowledge

NM_000142.5(FGFR3):c.928A>G (p.Lys310Glu)

Gene: FGFR3 (fibroblast growth factor receptor 3; plus strand). Cytogenetic location: 4p16.3.
Variant type: single nucleotide variant.
Coding change: c.928A>G on transcript NM_000142.5 (MANE Select); coding-DNA position 928, A replaced by G.
Protein change: p.Lys310Glu; replaces lysine 310 with glutamic acid.
Molecular consequence: missense variant. On other transcripts: non-coding transcript variant (1).
Genome position (GRCh38, 1-based): chr4:1,802,023, A>G. VCF-style: chr4-1802023-A-G. GRCh37 (hg19) VCF-style: chr4-1803750-A-G.
Other names: c.928A>G, p.Lys310Glu (NM_001163213.2, NM_001354809.2, NM_001354810.2 and 1 more transcripts); short protein forms K310E.
Identifiers: ClinVar variation 3776647 (VCV003776647.1).
Genomic context (GRCh38, chr4:1,802,023, plus strand): 5'-CACGTGGAGGTGAATGGCAGCAAGGTGGGCCCGGACGGCACACCCTACGTTACCGTGCTC[A>G]AGGTGGGCCACCGTGTGCACGTGGGTGCCGCCGCTGGGGCTCCTGGGCTGGCCCCAAGGG-3'
Protein context (NP_000133.1, residues 300-320): PDGTPYVTVL[Lys310Glu]TAGANTTDKE